The following is an entry in ClinVar:

ClinVar aggregate classification (germline): Conflicting classifications of pathogenicity. Review status: criteria provided, conflicting classifications (1 of 4 stars). 20 submissions from 20 submitters: Uncertain significance (7); Benign (6); Likely benign (6). 1 of the submissions does not count toward it. Last evaluated 2026-02-03.

Conditions:
PMS2-related disorder. Also called: PMS2-related condition.
Hereditary nonpolyposis colorectal neoplasms. Identifiers: MedGen C0009405, MeSH D003123.
Breast and/or ovarian cancer. Identifiers: MedGen CN221562.
Hereditary cancer-predisposing syndrome. Also called: Neoplastic Syndromes, Hereditary; Tumor predisposition; Hereditary Cancer Syndrome; Hereditary neoplastic syndrome. Identifiers: Orphanet 140162, MedGen C0027672, MeSH D009386, MONDO:0015356.
Lynch syndrome 4 (LYNCH4). Also called: Colorectal cancer, hereditary nonpolyposis, type 4; Hereditary non-polyposis colorectal cancer, type 4. Identifiers: Orphanet 144, MedGen C1838333, MONDO:0013699, OMIM 614337. Disease mechanism: loss of function.
Endometrial carcinoma. Also called: Endometrial carcinoma, somatic. Identifiers: MedGen C0476089, MONDO:0002447, OMIM 608089, HP:0012114.
Polyp of colon. Also called: Colon polyps. Identifiers: MedGen C0009376, MONDO:0021400.

Allele frequency attached by ClinVar (database versions not stated): gnomAD 0.00013 and 0.00020; ESP Exome Variant Server 0.00015; TOPMed 0.00015; 1000 Genomes Project 30x 0.00016; 1000 Genomes Project 0.00020; gnomAD exomes 0.00037; ExAC 0.00044.
gnomAD v4.1: 355 of 1,613,928 alleles (0.022%); highest among the groups gnomAD compares: South Asian, 0.19%; 2 homozygotes.

Submissions 1 to 16 of 20:

Labcorp Genetics (formerly Invitae), Labcorp
Classification: Benign for Hereditary nonpolyposis colorectal neoplasms. Last evaluated: 2026-02-03. Review status: criteria provided, single submitter. Criteria: Invitae Variant Classification Sherloc (09022015). Collection method: clinical testing. Allele origin: germline.

PreventionGenetics, part of Exact Sciences
Classification: Likely benign for PMS2-related condition. Last evaluated: 2025-10-10. Review status: criteria provided, single submitter. Criteria: ACMG Guidelines, 2015. Collection method: clinical testing. Allele origin: germline.
Comment: This variant is classified as likely benign based on ACMG/AMP sequence variant interpretation guidelines (Richards et al. 2015 PMID: 25741868, with internal and published modifications).

Mayo Clinic Laboratories, Mayo Clinic
Classification: Likely benign. Last evaluated: 2025-03-19. Review status: criteria provided, single submitter. Criteria: ACMG Guidelines, 2015. Collection method: clinical testing. Allele origin: germline. Observed: 2 variant alleles.
Comment: BS1, BS3_supporting

Center for Genomic Medicine, Rigshospitalet, Copenhagen University Hospital
Classification: Uncertain significance. Last evaluated: 2025-03-04. Review status: criteria provided, single submitter. Criteria: ACMG Guidelines, 2015. Collection method: clinical testing. Allele origin: germline.

Myriad Genetics, Inc.
Classification: Benign for Lynch syndrome 4. Last evaluated: 2025-01-27. Review status: criteria provided, single submitter. Criteria: Myriad Autosomal Dominant, Autosomal Recessive and X-Linked Classification Criteria (2023). Collection method: clinical testing. Allele origin: unknown.
Comment: This variant is considered benign. Homozygosity for this variant has been confirmed in one or more individuals lacking clinical features consistent with gene-specific recessive disease, indicating that this variant is unlikely to be pathogenic. This variant has been observed at a population frequency that is significantly greater than expected given the associated disease prevalence and penetrance.

Blueprint Genetics
Classification: Likely benign. Last evaluated: 2024-11-27. Review status: criteria provided, single submitter. Criteria: ACMG Guidelines, 2015. Collection method: clinical testing. Allele origin: germline.

CHEO Genetics Diagnostic Laboratory, Children's Hospital of Eastern Ontario
Classification: Uncertain significance for Breast and/or ovarian cancer. Last evaluated: 2022-12-23. Review status: criteria provided, single submitter. Criteria: ACMG Guidelines, 2015. Collection method: clinical testing. Allele origin: germline.

Sema4
Classification: Likely benign for Hereditary cancer-predisposing syndrome. Last evaluated: 2021-07-07. Review status: criteria provided, single submitter. Criteria: Sema4 Curation Guidelines. Collection method: curation. Allele origin: germline.

Women's Health and Genetics/Laboratory Corporation of America, LabCorp
Classification: Benign. Last evaluated: 2021-03-07. Review status: criteria provided, single submitter. Criteria: LabCorp Variant Classification Summary - May 2015. Collection method: clinical testing. Allele origin: germline.
Comment: Variant summary: PMS2 c.620G>A (p.Gly207Glu) results in a non-conservative amino acid change located in the DNA mismatch repair protein MutL domain of the encoded protein sequence. Four of five in-silico tools predict a damaging effect of the variant on protein function. The nucleotide sequence surrounding this genomic location is unique to PMS2 and not found in the psuedogene, thus identification of this variant in patients and controls is expected to truly be in the PMS2 gene. The variant allele was found at a frequency of 0.00037 in 251990 control chromosomes, predominantly at a frequency of 0.002 within the South Asian subpopulation in the gnomAD database. The observed variant frequency within South Asian control individuals in the gnomAD database is approximately 28 fold of the estimated maximal expected allele frequency for a pathogenic variant in PMS2 causing Hereditary Nonpolyposis Colorectal Cancer phenotype (7.1e-05), strongly suggesting that the variant is a benign polymorphism found primarily in populations of South Asian origin. c.620G>A has been reported in the literature in individuals affected with Lynch Syndrome, Breast/Ovarian Cancers (example, Montazer Haghighi_2009, Maxwell_2014, Warren_2015, Goldescu_2018, Lu_2015, Siraj_2017, Tung_2015). These report(s) do not provide unequivocal conclusions about association of the variant with Hereditary Nonpolyposis Colorectal Cancer/Lynch syndrome. Co-occurrences with other pathogenic variant(s) have been reported in the literature and observed at our laboratory (Tung_2015, ATM c.1564_1565del , p.Glu522Ilefs*43; our laboratory, BRCA1 c.5266dupC, p.Q1756fs*74; CHEK2 c.1100delC, p.Thr367fs), providing supporting evidence for a benign role. At least one publication reports experimental evidence evaluating an impact on protein function. The most pronounced variant effect results in mildly defective in MMR activity (~70% of wild type activity; Drost_2013), with activity significantly higher than the repair deficient control. Eleven clinical diagnostic laboratories have submitted clinical-significance assessments for this variant to ClinVar after 2014 without evidence for independent evaluation. Multiple laboratories reported the variant with conflicting assessments (Benign, n=4, likely benign, n=1, VUS, n=6). Many submitters cite overlapping evidence utilized in the context of this evaluation. Based on the emerging consensus towards a neutral outcome as evidence outlined above, the variant was classified as benign.

GeneDx
Classification: Likely benign. Last evaluated: 2020-06-22. Review status: criteria provided, single submitter. Criteria: GeneDx Variant Classification Process June 2021. Collection method: clinical testing. Allele origin: germline. Affected: yes.
Comment: This variant is associated with the following publications: (PMID: 31992580, 30653781, 31159747, 30651582, 26689913, 29785153, 28975465, 25503501, 19479271, 24027009, 25637381)

Genetic Services Laboratory, University of Chicago
Classification: Uncertain significance. Last evaluated: 2020-04-24. Review status: criteria provided, single submitter. Criteria: ACMG Guidelines, 2015. Collection method: clinical testing. Allele origin: germline. Affected: no.
Comment: DNA sequence analysis of the PMS2 gene demonstrated a sequence change, c.620G>A, in exon 6 that results in an amino acid change, p.Gly207Glu. This sequence change has been described in the gnomAD database with a global population frequency of 0.03% and up to a 0.2% frequency in certain subpopulations (dbSNP rs374704824). The p.Gly207Glu change affects a highly conserved amino acid residue located in a domain of the PMS2 protein that is known to be functional. In-silico pathogenicity prediction tools (SIFT, PolyPhen2, Align GVGD, REVEL) provide contradictory results for the p.Gly207Glu substitution. The p.Gly207Glu change has been reported in a patient with hereditary non-polyposis colorectal cancer and tumor testing showing absence of PMS2 expression and high microsatellite instability (PMID: 19479271). The p.Gly207Glu change has also been reported in a patient with breast cancer (PMID: 25503501). Functional studies using an in vitro assay demonstrated normal mismatch repair activity (PMID: 24027009). Due to these contrasting evidences, the clinical significance of the p.Gly207Glu change remains unknown at this time.

Quest Diagnostics Nichols Institute San Juan Capistrano
Classification: Benign. Last evaluated: 2019-12-24. Review status: criteria provided, single submitter. Criteria: Quest Diagnostics criteria. Collection method: clinical testing. Allele origin: unknown.

Mendelics
Classification: Benign for Lynch syndrome 4. Last evaluated: 2019-05-28. Review status: criteria provided, single submitter. Criteria: Mendelics Assertion Criteria 2017. Collection method: clinical testing. Allele origin: unknown.

GeneKor MSA
Classification: Uncertain significance for Hereditary cancer-predisposing syndrome. Last evaluated: 2018-08-01. Review status: criteria provided, single submitter. Criteria: ACMG Guidelines, 2015. Collection method: clinical testing. Allele origin: germline. Affected: yes.

Ambry Genetics
Classification: Likely benign for Hereditary cancer-predisposing syndrome. Last evaluated: 2018-07-02. Review status: criteria provided, single submitter. Criteria: Ambry Variant Classification Scheme 2023. Collection method: clinical testing. Allele origin: germline.

ARUP Laboratories, Molecular Genetics and Genomics, ARUP Laboratories
Classification: Uncertain significance. Last evaluated: 2017-12-13. Review status: criteria provided, single submitter. Criteria: ARUP Molecular Germline Variant Investigation Process. Collection method: clinical testing. Allele origin: germline.

NM_000535.7(PMS2):c.620G>A (p.Gly207Glu)

Gene: PMS2 (PMS1 homolog 2, mismatch repair system component; minus strand). Cytogenetic location: 7p22.1.
Variant type: single nucleotide variant.
Coding change: c.620G>A on transcript NM_000535.7 (MANE Select); coding-DNA position 620, G replaced by A.
Protein change: p.Gly207Glu; replaces glycine 207 with glutamic acid.
Molecular consequence: missense variant. On other transcripts: 5 prime UTR variant (2), non-coding transcript variant (1), intron variant (1).
Genome position (GRCh38, 1-based): chr7:5,999,193, C>T on the plus strand (G>A on the coding strand, the complement: PMS2 is on the minus strand). VCF-style: chr7-5999193-C-T. GRCh37 (hg19) VCF-style: chr7-6038824-C-T.
Other names: p.G207E:GGA>GAA; c.215G>A, p.Gly72Glu (NM_001322003.2, NM_001322004.2, NM_001322005.2 and 2 more transcripts); c.620G>A, p.Gly207Glu (NM_001322006.2, NM_001322014.2); c.302G>A, p.Gly101Glu (NM_001322007.2, NM_001322008.2); c.-314G>A (NM_001322011.2, NM_001322012.2); c.311G>A, p.Gly104Glu (NM_001322015.2); c.133-1770G>A (NM_001322013.2); short protein forms G207E, G104E, G72E, G101E.
Identifiers: ClinVar variation 127793 (VCV000127793.48), dbSNP rs374704824, ClinGen allele CA012442.